The following is an entry in ClinVar:

NM_199420.4(POLQ):c.877T>G (p.Leu293Val)

Gene: POLQ (DNA polymerase theta; minus strand). Cytogenetic location: 3q13.33.
Variant type: single nucleotide variant.
Coding change: c.877T>G on transcript NM_199420.4 (MANE Select); coding-DNA position 877, T replaced by G.
Protein change: p.Leu293Val; replaces leucine 293 with valine.
Molecular consequence: missense variant.
Genome position (GRCh38, 1-based): chr3:121,533,073, A>C on the plus strand (T>G on the coding strand, the complement: POLQ is on the minus strand). VCF-style: chr3-121533073-A-C. GRCh37 (hg19) VCF-style: chr3-121251920-A-C.
Other names: short protein forms L293V.
Identifiers: ClinVar variation 1764642 (VCV001764642.2), dbSNP rs1560108641, ClinGen allele CA354126175.
Genomic context (GRCh38, chr3:121,533,073, plus strand): 5'-ATTCCCTCACAAGTTTCATTGAAGAGTCATATATGGAATTTCCAACTTTTACTGACTCCA[A>C]AAGCGGTACAGGGCGAAAGTCGGTATGGTAGAGTTCAGCATTCAACCAGGAAGCCACAAG-3'
Protein context (NP_955452.3, residues 283-303): YHTDFRPVPL[Leu293Val]ESVKVGNSIY

ClinVar aggregate classification (germline): Uncertain significance (1 of 4 stars; one submission).

Submission:

Ambry Genetics
Classification: Uncertain significance. Last evaluated: 2021-10-17. Review status: criteria provided, single submitter. Criteria: Ambry Variant Classification Scheme 2023. Collection method: clinical testing. Allele origin: germline.
Comment: The p.L293V variant (also known as c.877T>G), located in coding exon 6 of the POLQ gene, results from a T to G substitution at nucleotide position 877. The leucine at codon 293 is replaced by valine, an amino acid with highly similar properties. This amino acid position is conserved. In addition, this alteration is predicted to be tolerated by in silico analysis. Since supporting evidence is limited at this time, the clinical significance of this alteration remains unclear.